The following is an entry in ClinVar:

ClinVar aggregate classification (germline): Uncertain significance. Review status: criteria provided, multiple submitters, no conflicts (2 of 4 stars). 3 submissions from 3 submitters: Uncertain significance (2). 1 of the submissions does not count toward it. Last evaluated 2026-01-11.

Conditions:
Becker muscular dystrophy (BMD). Also called: MUSCULAR DYSTROPHY, PSEUDOHYPERTROPHIC PROGRESSIVE, BECKER TYPE; Becker Muscular Dystrophy (BMD). Identifiers: Orphanet 98895, MedGen C0917713, MONDO:0010311, OMIM 300376.
Cardiomyopathy (CMYO). Also called: Cardiomyopathies. Identifiers: Orphanet 167848, MedGen C0878544, MONDO:0004994, HP:0001638. Inheritance: Various modes of inheritance.
Duchenne muscular dystrophy (DMD). Also called: MUSCULAR DYSTROPHY, PSEUDOHYPERTROPHIC PROGRESSIVE, DUCHENNE TYPE; Duchenne Muscular Dystrophy (DMD). Identifiers: Orphanet 98896, MedGen C0013264, MONDO:0010679, OMIM 310200.
Dystrophin deficiency.

Allele frequency attached by ClinVar (database versions not stated): TOPMed 0.00002.

Submissions (3):

Labcorp Genetics (formerly Invitae), Labcorp
Classification: Uncertain significance for Duchenne muscular dystrophy. Last evaluated: 2026-01-11. Review status: criteria provided, single submitter. Criteria: Invitae Variant Classification Sherloc (09022015). Collection method: clinical testing. Allele origin: germline.
Comment: This sequence change replaces valine, which is neutral and non-polar, with isoleucine, which is neutral and non-polar, at codon 218 of the DMD protein (p.Val218Ile). This variant is not present in population databases (gnomAD no frequency). This variant has not been reported in the literature in individuals affected with DMD-related conditions. ClinVar contains an entry for this variant (Variation ID: 426375). An algorithm developed to predict the effect of missense changes on protein structure and function (PolyPhen-2) suggests that this variant is likely to be disruptive. In summary, the available evidence is currently insufficient to determine the role of this variant in disease. Therefore, it has been classified as a Variant of Uncertain Significance.

GeneDx
Classification: Uncertain significance. Last evaluated: 2017-04-19. Review status: criteria provided, single submitter. Criteria: GeneDx Variant Classification (06012015). Collection method: clinical testing. Allele origin: germline. Affected: yes.
Comment: A variant of uncertain significance has been identified in the DMD gene. The V218I variant has not been published as pathogenic or been reported as benign to our knowledge. This variant is not observed in large population cohorts (Lek et al., 2016; 1000 Genomes Consortium et al., 2015; Exome Variant Server). However, the V218I variant is a conservative amino acid substitution, which is not likely to impact secondary protein structure as these residues share similar properties. This substitution occurs at a position where amino acids with similar properties to valine are tolerated across species and where isoleucine is present as the wild type in at least one species. In silico analysis is inconsistent in its predictions as to whether or not the variant is damaging to the protein structure/function. Finally, while a missense variant in the same residue (V218G) has been reported in association with BMD, the pathogenicity of this variant has not been definitively determined (Nicolas et al., 2012).

Natera, Inc.
Classification: Uncertain significance for Becker muscular dystrophy; Cardiomyopathy; Duchenne muscular dystrophy; Dystrophin deficiency. Last evaluated: 2020-10-30. Review status: no assertion criteria provided. Collection method: clinical testing. Allele origin: germline. Not counted in ClinVar's aggregate classification.

NM_004006.3(DMD):c.652G>A (p.Val218Ile)

Gene: DMD (dystrophin; minus strand). Cytogenetic location: Xp21.1.
Variant type: single nucleotide variant.
Coding change: c.652G>A on transcript NM_004006.3 (MANE Select); coding-DNA position 652, G replaced by A.
Protein change: p.Val218Ile; replaces valine 218 with isoleucine.
Molecular consequence: missense variant.
Genome position (GRCh38, 1-based): chrX:32,699,291, C>T on the plus strand (G>A on the coding strand, the complement: DMD is on the minus strand). VCF-style: chrX-32699291-C-T. GRCh37 (hg19) VCF-style: chrX-32717408-C-T.
Other names: c.628G>A, p.Val210Ile (NM_000109.4); c.640G>A, p.Val214Ile (NM_004009.3); c.283G>A, p.Val95Ile (NM_004010.3); short protein forms V218I, V214I, V95I, V210I.
Identifiers: ClinVar variation 426375 (VCV000426375.4), dbSNP rs1085307594, ClinGen allele CA412669188.